The following is an entry in ClinVar:

ClinVar aggregate classification (germline): Uncertain significance. Review status: criteria provided, single submitter (1 of 4 stars). 2 submissions from 2 submitters: Uncertain significance (1). 1 of the submissions does not count toward it. Last evaluated 2022-04-06.

Conditions:
Metaphyseal chondrodysplasia, McKusick type (CHH). Also called: Cartilage-Hair Hypoplasia (CHH); Cartilage-hair hypoplasia. Identifiers: Orphanet 175, MedGen C0220748, MONDO:0009595, OMIM 250250.
Anauxetic dysplasia. Identifiers: Orphanet 93347, MedGen C1846796, MONDO:0011773.

Submissions (2):

Labcorp Genetics (formerly Invitae), Labcorp
Classification: Uncertain significance for Anauxetic dysplasia. Last evaluated: 2022-04-06. Review status: criteria provided, single submitter. Criteria: Invitae Variant Classification Sherloc (09022015). Collection method: clinical testing. Allele origin: germline.
Comment: This variant occurs in the RMRP gene, which encodes an RNA molecule that does not result in a protein product. This variant is not present in population databases (gnomAD no frequency). This variant has not been reported in the literature in individuals affected with RMRP-related conditions. ClinVar contains an entry for this variant (Variation ID: 533764). Experimental studies and prediction algorithms are not available or were not evaluated, and the functional significance of this variant is currently unknown. In summary, the available evidence is currently insufficient to determine the role of this variant in disease. Therefore, it has been classified as a Variant of Uncertain Significance.

Natera, Inc.
Classification: Uncertain significance for Cartilage-hair hypoplasia. Last evaluated: 2020-07-27. Review status: no assertion criteria provided. Collection method: clinical testing. Allele origin: germline. Not counted in ClinVar's aggregate classification.

NR_003051.4(RMRP):n.27A>G

Gene: RMRP (RNA component of mitochondrial RNA processing endoribonuclease; minus strand). Cytogenetic location: 9p13.3.
Variant type: single nucleotide variant.
Genome position: GRCh38 VCF-style: chr9-35657993-T-C. GRCh37 (hg19) VCF-style: chr9-35657990-T-C.
Identifiers: ClinVar variation 533764 (VCV000533764.4), dbSNP rs1554651331, ClinGen allele CA464451027.